The following is an entry in ClinVar:

ClinVar aggregate classification (germline): Uncertain significance. Review status: criteria provided, multiple submitters, no conflicts (2 of 4 stars). 2 submissions from 2 submitters: Uncertain significance (2). Last evaluated 2024-02-06.

Conditions:
Inborn genetic diseases. Identifiers: MedGen C0950123, MeSH D030342.
Progressive myoclonic epilepsy. Also called: Familial progressive myoclonic epilepsy; Myoclonus epilepsy; Progressive myoclonus epilepsy; Myoclonic Epilepsies, Progressive. Identifiers: Orphanet 308, Orphanet 98261, MedGen C0751778, MONDO:0020074.

Allele frequency attached by ClinVar (database versions not stated): ExAC 0.00001; gnomAD exomes 0.00001.
gnomAD v4.1: 15 of 1,614,208 alleles (0.00093%); highest among the groups gnomAD compares: East Asian, 0.013%; no homozygotes.

Submissions (2):

Ambry Genetics
Classification: Uncertain significance for Inborn genetic diseases. Last evaluated: 2024-02-06. Review status: criteria provided, single submitter. Criteria: Ambry Variant Classification Scheme 2023. Collection method: clinical testing. Allele origin: germline.

Labcorp Genetics (formerly Invitae), Labcorp
Classification: Uncertain significance for Progressive myoclonic epilepsy. Last evaluated: 2021-09-01. Review status: criteria provided, single submitter. Criteria: Invitae Variant Classification Sherloc (09022015). Collection method: clinical testing. Allele origin: germline.
Comment: This sequence change replaces leucine with valine at codon 226 of the EPM2A protein (p.Leu226Val). The leucine residue is highly conserved and there is a small physicochemical difference between leucine and valine. This variant is present in population databases (rs754313309, ExAC 0.001%). This variant has not been reported in the literature in individuals affected with EPM2A-related conditions. Algorithms developed to predict the effect of missense changes on protein structure and function are either unavailable or do not agree on the potential impact of this missense change (SIFT: "Deleterious"; PolyPhen-2: "Benign"; Align-GVGD: "Class C15"). In summary, the available evidence is currently insufficient to determine the role of this variant in disease. Therefore, it has been classified as a Variant of Uncertain Significance.

NM_005670.4(EPM2A):c.676T>G (p.Leu226Val)

Gene: EPM2A (EPM2A glucan phosphatase, laforin; minus strand). Cytogenetic location: 6q24.3.
Variant type: single nucleotide variant.
Coding change: c.676T>G on transcript NM_005670.4 (MANE Select); coding-DNA position 676, T replaced by G.
Protein change: p.Leu226Val; replaces leucine 226 with valine.
Molecular consequence: missense variant. On other transcripts: intron variant (1).
Genome position (GRCh38, 1-based): chr6:145,635,287, A>C on the plus strand (T>G on the coding strand, the complement: EPM2A is on the minus strand). VCF-style: chr6-145635287-A-C. GRCh37 (hg19) VCF-style: chr6-145956423-A-C.
Other names: c.676T>G, p.Leu226Val (NM_001018041.2, NM_001368130.1); c.262T>G, p.Leu88Val (NM_001360064.2, NM_001360071.2, NM_001368131.1); c.214T>G, p.Leu72Val (NM_001368129.2, NM_001368132.1); c.477-7594T>G (NM_001360057.2); c.676T>G (NM_005670.3); short protein forms L226V, L72V, L88V.
Identifiers: ClinVar variation 1421919 (VCV001421919.6), dbSNP rs754313309, ClinGen allele CA4035125.